The following is an entry in ClinVar:

NM_020911.2(PLXNA4):c.1754C>T (p.Pro585Leu)

Gene: PLXNA4 (plexin A4; minus strand). Cytogenetic location: 7q32.3.
Variant type: single nucleotide variant.
Coding change: c.1754C>T on transcript NM_020911.2 (MANE Select); coding-DNA position 1754, C replaced by T.
Protein change: p.Pro585Leu; replaces proline 585 with leucine.
Molecular consequence: missense variant.
Genome position (GRCh38, 1-based): chr7:132,227,579, G>A on the plus strand (C>T on the coding strand, the complement: PLXNA4 is on the minus strand). VCF-style: chr7-132227579-G-A. GRCh37 (hg19) VCF-style: chr7-131912338-G-A.
Other names: c.1754C>T, p.Pro585Leu (NM_001393897.1); short protein forms P585L.
Identifiers: ClinVar variation 4988144 (VCV004988144.1).

ClinVar aggregate classification (germline): Uncertain significance (1 of 4 stars; one submission).

Conditions:
PLXNA4-related disorder. Also called: PLXNA4-related condition.

gnomAD v4.1: 4 of 1,614,008 alleles (0.00025%); highest among the groups gnomAD compares: Admixed American, 0.0033%; no homozygotes.

Submission:

PreventionGenetics, part of Exact Sciences
Classification: Uncertain significance for PLXNA4-related condition. Last evaluated: 2025-03-19. Review status: criteria provided, single submitter. Criteria: ACMG Guidelines, 2015. Collection method: clinical testing. Allele origin: germline.
Comment: The PLXNA4 c.1754C>T variant is predicted to result in the amino acid substitution p.Pro585Leu. To our knowledge, this variant has not been reported in the literature. This variant is reported in 0.0033% of alleles in individuals of South Asian descent in gnomAD. At this time, the clinical significance of this variant is uncertain due to the absence of conclusive functional and genetic evidence.